The following is an entry in ClinVar:

ClinVar aggregate classification (germline): Conflicting classifications of pathogenicity. Review status: criteria provided, conflicting classifications (1 of 4 stars). 4 submissions from 4 submitters: Uncertain significance (3); Likely benign (1). Last evaluated 2025-11-08.

Conditions:
Emery-Dreifuss muscular dystrophy 5, autosomal dominant (EDMD5). Also called: EMERY-DREIFUSS MUSCULAR DYSTROPHY 5. Identifiers: Orphanet 261, MedGen C2751805, MONDO:0013072, OMIM 612999.

Allele frequency attached by ClinVar (database versions not stated): ESP Exome Variant Server 0.00008.
gnomAD v4.1: 272 of 1,613,918 alleles (0.017%); highest among the groups gnomAD compares: Non-Finnish European, 0.021%; no homozygotes.

Submissions (4):

Labcorp Genetics (formerly Invitae), Labcorp
Classification: Uncertain significance for Emery-Dreifuss muscular dystrophy 5, autosomal dominant. Last evaluated: 2025-11-08. Review status: criteria provided, single submitter. Criteria: Invitae Variant Classification Sherloc (09022015). Collection method: clinical testing. Allele origin: germline.
Comment: This sequence change replaces tryptophan, which is neutral and slightly polar, with arginine, which is basic and polar, at codon 3450 of the SYNE2 protein (p.Trp3450Arg). This variant is present in population databases (rs375398029, gnomAD 0.009%). This variant has not been reported in the literature in individuals affected with SYNE2-related conditions. ClinVar contains an entry for this variant (Variation ID: 1256347). An algorithm developed to predict the effect of missense changes on protein structure and function (PolyPhen-2) suggests that this variant is likely to be disruptive. In summary, the available evidence is currently insufficient to determine the role of this variant in disease. Therefore, it has been classified as a Variant of Uncertain Significance.

CeGaT Center for Human Genetics Tuebingen
Classification: Likely benign. Last evaluated: 2025-06-01. Review status: criteria provided, single submitter. Criteria: CeGaT Center For Human Genetics Tuebingen Variant Classification Criteria Version 2. Collection method: clinical testing. Allele origin: germline. Affected: yes. Observed: 1 variant allele.
Comment: SYNE2: BS2

Athena Diagnostics
Classification: Uncertain significance. Last evaluated: 2020-11-19. Review status: criteria provided, single submitter. Criteria: Athena Diagnostics criteria. Collection method: clinical testing. Allele origin: unknown.

Revvity Omics, Revvity
Classification: Uncertain significance for Emery-Dreifuss muscular dystrophy 5, autosomal dominant. Last evaluated: 2019-09-17. Review status: criteria provided, single submitter. Criteria: ACMG Guidelines, 2015. Collection method: clinical testing. Allele origin: germline.

NM_182914.3(SYNE2):c.10348T>C (p.Trp3450Arg)

Gene: SYNE2 (spectrin repeat containing nuclear envelope protein 2; plus strand). Cytogenetic location: 14q23.2.
Variant type: single nucleotide variant.
Coding change: c.10348T>C on transcript NM_182914.3 (MANE Select); coding-DNA position 10348, T replaced by C.
Protein change: p.Trp3450Arg; replaces tryptophan 3450 with arginine.
Molecular consequence: missense variant.
Genome position (GRCh38, 1-based): chr14:64,065,567, T>C. VCF-style: chr14-64065567-T-C. GRCh37 (hg19) VCF-style: chr14-64532285-T-C.
Other names: c.10348T>C, p.Trp3450Arg (NM_015180.6); short protein forms W3450R.
Identifiers: ClinVar variation 1256347 (VCV001256347.19), dbSNP rs375398029, ClinGen allele CA7221486.
Genomic context (GRCh38, chr14:64,065,567, plus strand): 5'-AGGTGCACAGAAAATGATGGCATATGTTTGCTCAAGATTGTGTCGGCTCTGTGGGAGAAA[T>C]GGCTGAGTTTGCTGGAAGCTGCTAAAGAGTGGGAGATGTGGTGCGAAGAACTGAAGCAGG-3'
Protein context (NP_878918.2, residues 3440-3460): LKIVSALWEK[Trp3450Arg]LSLLEAAKEW